The following is an entry in ClinVar:

ClinVar aggregate classification (germline): Uncertain significance (1 of 4 stars; one submission).

Submission:

Ambry Genetics
Classification: Uncertain significance. Last evaluated: 2024-04-09. Review status: criteria provided, single submitter. Criteria: Ambry Variant Classification Scheme 2023. Collection method: clinical testing. Allele origin: germline.
Comment: The p.R711L variant (also known as c.2132G>T), located in coding exon 11 of the PALLD gene, results from a G to T substitution at nucleotide position 2132. The arginine at codon 711 is replaced by leucine, an amino acid with dissimilar properties. This amino acid position is conserved. In addition, the in silico prediction for this alteration is inconclusive. Based on the available evidence, the clinical significance of this variant remains unclear.

NM_001166108.2(PALLD):c.2132G>T (p.Arg711Leu)

Genes: CBR4 (carbonyl reductase 4; minus strand), PALLD (palladin, cytoskeletal associated protein; plus strand). Cytogenetic location: 4q32.3.
Variant type: single nucleotide variant.
Coding change: c.2132G>T on transcript NM_001166108.2 (MANE Select); coding-DNA position 2132, G replaced by T.
Protein change: p.Arg711Leu; replaces arginine 711 with leucine.
Molecular consequence: missense variant.
Genome position (GRCh38, 1-based): chr4:168,894,610, G>T. VCF-style: chr4-168894610-G-T. GRCh37 (hg19) VCF-style: chr4-169815761-G-T.
Other names: c.986G>T, p.Arg329Leu (NM_001166109.2); c.671G>T, p.Arg224Leu (NM_001166110.2); c.11G>T, p.Arg4Leu (NM_001367567.1, NM_001367568.1, NM_001367569.1 and 1 more transcripts); c.2132G>T, p.Arg711Leu (NM_016081.4); short protein forms R329L, R4L, R711L, R224L.
Identifiers: ClinVar variation 3304056 (VCV003304056.1).
Genomic context (GRCh38, chr4:168,894,610, plus strand): 5'-TTGTATTTTTTGTGACTTACGTTGTTTAGAGGTTAACATACGAAGAAAGAATGGCTCGTC[G>T]ACTGCTAGGTGCTGACAGTGCAACTGTCTTTAATATTCAGGAGCCAGAAGAGGAAACAGC-3'
Protein context (NP_001159580.1, residues 701-721): RLTYEERMAR[Arg711Leu]LLGADSATVF